The following is an entry in ClinVar:

NM_015559.3(SETBP1):c.101C>T (p.Ala34Val)

Gene: SETBP1 (SET binding protein 1; plus strand). Cytogenetic location: 18q12.3.
Variant type: single nucleotide variant.
Coding change: c.101C>T on transcript NM_015559.3 (MANE Select); coding-DNA position 101, C replaced by T.
Protein change: p.Ala34Val; replaces alanine 34 with valine.
Molecular consequence: missense variant.
Genome position (GRCh38, 1-based): chr18:44,701,447, C>T. VCF-style: chr18-44701447-C-T. GRCh37 (hg19) VCF-style: chr18-42281412-C-T.
Other names: c.101C>T, p.Ala34Val (NM_001130110.2, NM_001379141.1, NM_001379142.1 and 1 more transcripts); short protein forms A34V.
Identifiers: ClinVar variation 1944616 (VCV001944616.5), dbSNP rs2511331980, ClinGen allele CA402481440.

ClinVar aggregate classification (germline): Uncertain significance (1 of 4 stars; one submission).

Allele frequency attached by ClinVar (database versions not stated): gnomAD exomes below 0.00001.
gnomAD v4.1: 2 of 1,611,324 alleles (0.00012%); highest among the groups gnomAD compares: Admixed American, 0.0017%; no homozygotes.

Submission:

Labcorp Genetics (formerly Invitae), Labcorp
Classification: Uncertain significance. Last evaluated: 2023-10-13. Review status: criteria provided, single submitter. Criteria: Invitae Variant Classification Sherloc (09022015). Collection method: clinical testing. Allele origin: germline.
Comment: This sequence change replaces alanine, which is neutral and non-polar, with valine, which is neutral and non-polar, at codon 34 of the SETBP1 protein (p.Ala34Val). This variant is not present in population databases (gnomAD no frequency). This variant has not been reported in the literature in individuals affected with SETBP1-related conditions. ClinVar contains an entry for this variant (Variation ID: 1944616). An algorithm developed to predict the effect of missense changes on protein structure and function (PolyPhen-2) suggests that this variant is likely to be tolerated. In summary, the available evidence is currently insufficient to determine the role of this variant in disease. Therefore, it has been classified as a Variant of Uncertain Significance.